The following is an entry in ClinVar:

NM_001430.5(EPAS1):c.1873A>T (p.Ser625Cys)

Gene: EPAS1 (endothelial PAS domain protein 1; plus strand). Cytogenetic location: 2p21.
Variant type: single nucleotide variant.
Coding change: c.1873A>T on transcript NM_001430.5 (MANE Select); coding-DNA position 1873, A replaced by T.
Protein change: p.Ser625Cys; replaces serine 625 with cysteine.
Molecular consequence: missense variant.
Genome position (GRCh38, 1-based): chr2:46,380,545, A>T. VCF-style: chr2-46380545-A-T. GRCh37 (hg19) VCF-style: chr2-46607684-A-T.
Other names: short protein forms S625C.
Identifiers: ClinVar variation 1781725 (VCV001781725.2), dbSNP rs774504970, ClinGen allele CA1645136.

ClinVar aggregate classification (germline): Uncertain significance (1 of 4 stars; one submission).

Conditions:
Inborn genetic diseases. Identifiers: MedGen C0950123, MeSH D030342.

Submission:

Ambry Genetics
Classification: Uncertain significance for Inborn genetic diseases. Last evaluated: 2022-08-05. Review status: criteria provided, single submitter. Criteria: Ambry Variant Classification Scheme 2023. Collection method: clinical testing. Allele origin: germline.
Comment: The p.S625C variant (also known as c.1873A>T), located in coding exon 12 of the EPAS1 gene, results from an A to T substitution at nucleotide position 1873. The serine at codon 625 is replaced by cysteine, an amino acid with dissimilar properties. This amino acid position is conserved. In addition, this alteration is predicted to be tolerated by in silico analysis. Since supporting evidence is limited at this time, the clinical significance of this alteration remains unclear.